The following is an entry in ClinVar:

NM_001104631.2(PDE4D):c.238C>T (p.Pro80Ser)

Gene: PDE4D (phosphodiesterase 4D; minus strand). Cytogenetic location: 5q12.1.
Variant type: single nucleotide variant.
Coding change: c.238C>T on transcript NM_001104631.2 (MANE Select); coding-DNA position 238, C replaced by T.
Protein change: p.Pro80Ser; replaces proline 80 with serine.
Molecular consequence: missense variant. On other transcripts: intron variant (5).
Genome position (GRCh38, 1-based): chr5:59,893,385, G>A on the plus strand (C>T on the coding strand, the complement: PDE4D is on the minus strand). VCF-style: chr5-59893385-G-A. GRCh37 (hg19) VCF-style: chr5-59189212-G-A.
Other names: c.272+95103C>T (NM_001364599.1, NM_001165899.2, NM_001364600.2); c.-240+95103C>T (NM_001349243.2); c.242+95103C>T (NM_001349241.2); short protein forms P80S.
Identifiers: ClinVar variation 4088044 (VCV004088044.1).
Genomic context (GRCh38, chr5:59,893,385, plus strand): 5'-CCCCGCTCGAGGCGTAGCGGCCGCGGGCAGCCCCGGGCGGCGGCGGGGGCGGCGGCAGGG[G>A]GGGCGGCGGCGGCGGCTGTAGCGGACACTGGGGCTGGGGCTGGGGCGAGGGTGGCGGCGG-3'
Protein context (NP_001098101.1, residues 70-90): QCPLQPPPPP[Pro80Ser]LPPPPPPPGA

ClinVar aggregate classification (germline): Uncertain significance (1 of 4 stars; one submission).

gnomAD v4.1: 2 of 1,267,712 alleles (0.00016%); highest among the groups gnomAD compares: South Asian, 0.0032%; no homozygotes.

Submission:

GeneDx
Classification: Uncertain significance. Last evaluated: 2025-03-26. Review status: criteria provided, single submitter. Criteria: GeneDx Variant Classification Process June 2021. Collection method: clinical testing. Allele origin: germline. Affected: yes.
Comment: In silico analysis indicates that this missense variant does not alter protein structure/function; Has not been previously published as pathogenic or benign to our knowledge